The following is an entry in ClinVar:

NM_030777.4(SLC2A10):c.*143G>A

Gene: SLC2A10 (solute carrier family 2 member 10; plus strand). Cytogenetic location: 20q13.12.
Variant type: single nucleotide variant.
Coding change: c.*143G>A on transcript NM_030777.4 (MANE Select); 143 bases downstream of the stop codon, G replaced by A.
Molecular consequence: 3 prime UTR variant.
Genome position (GRCh38, 1-based): chr20:46,733,977, G>A. VCF-style: chr20-46733977-G-A. GRCh37 (hg19) VCF-style: chr20-45362616-G-A.
Identifiers: ClinVar variation 338602 (VCV000338602.6), dbSNP rs35691491, ClinGen allele CA10644002.

ClinVar aggregate classification (germline): Benign. Review status: criteria provided, multiple submitters, no conflicts (2 of 4 stars). 2 submissions from 2 submitters: Benign (2). Last evaluated 2018-01-12.

Conditions:
Arterial tortuosity syndrome (ATORS). Identifiers: Orphanet 3342, MedGen C1859726, MONDO:0008818, OMIM 208050.

Allele frequency attached by ClinVar (database versions not stated): gnomAD exomes 0.00493; TOPMed 0.01223; gnomAD 0.01341 and 0.01384; 1000 Genomes Project 30x 0.01874; 1000 Genomes Project 0.01937.
gnomAD v4.1: 5,048 of 767,072 alleles (0.66%); highest among the groups gnomAD compares: East Asian, 3.8%; 105 homozygotes.

Submissions (2):

Illumina Laboratory Services, Illumina
Classification: Benign for Arterial tortuosity syndrome. Last evaluated: 2018-01-12. Review status: criteria provided, single submitter. Criteria: ICSL Variant Classification Criteria 13 December 2019. Collection method: clinical testing. Allele origin: germline.
Comment: This variant was observed in the ICSL laboratory as part of a predisposition screen in an ostensibly healthy population. It had not been previously curated by ICSL or reported in the Human Gene Mutation Database (HGMD: prior to June 1st, 2018), and was therefore a candidate for classification through an automated scoring system. Utilizing variant allele frequency, disease prevalence and penetrance estimates, and inheritance mode, an automated score was calculated to assess if this variant is too frequent to cause the disease. Based on the score and internal cut-off values, a variant classified as benign is not then subjected to further curation. The score for this variant resulted in a classification of benign for this disease.

Breakthrough Genomics
Classification: Benign. Review status: criteria provided, single submitter. Criteria: ACMG Guidelines, 2015. Collection method: not provided. Allele origin: germline. Inheritance: Autosomal recessive inheritance. Affected: yes.